The following is an entry in ClinVar:

ClinVar aggregate classification (germline): Uncertain significance (1 of 4 stars; one submission).

Conditions:
Nemaline myopathy 2 (NEM2). Also called: Nemaline myopathy 2, autosomal recessive. Identifiers: MedGen C1850569, MONDO:0009725, OMIM 256030.

gnomAD v4.1: 7 of 1,611,192 alleles (0.00043%); highest among the groups gnomAD compares: Non-Finnish European, 0.00059%; no homozygotes.

Submission:

Labcorp Genetics (formerly Invitae), Labcorp
Classification: Uncertain significance for Nemaline myopathy 2. Last evaluated: 2022-02-18. Review status: criteria provided, single submitter. Criteria: Invitae Variant Classification Sherloc (09022015). Collection method: clinical testing. Allele origin: germline.
Comment: This sequence change replaces threonine, which is neutral and polar, with isoleucine, which is neutral and non-polar, at codon 7837 of the NEB protein (p.Thr7837Ile). The frequency data for this variant in the population databases is considered unreliable, as metrics indicate poor data quality at this position in the gnomAD database. This variant has not been reported in the literature in individuals affected with NEB-related conditions. Algorithms developed to predict the effect of missense changes on protein structure and function are either unavailable or do not agree on the potential impact of this missense change (SIFT: "Deleterious"; PolyPhen-2: "Not Available"; Align-GVGD: "Class C0"). In summary, the available evidence is currently insufficient to determine the role of this variant in disease. Therefore, it has been classified as a Variant of Uncertain Significance.

NM_001164508.2(NEB):c.23405C>T (p.Thr7802Ile)

Genes: NEB (nebulin; minus strand), RIF1 (replication timing regulatory factor 1; plus strand). Cytogenetic location: 2q23.3.
Variant type: single nucleotide variant.
Coding change: c.23405C>T on transcript NM_001164508.2 (MANE Select); coding-DNA position 23405, C replaced by T.
Protein change: p.Thr7802Ile; replaces threonine 7802 with isoleucine.
Molecular consequence: missense variant.
Genome position (GRCh38, 1-based): chr2:151,508,051, G>A on the plus strand (C>T on the coding strand, the complement: NEB is on the minus strand). VCF-style: chr2-151508051-G-A. GRCh37 (hg19) VCF-style: chr2-152364565-G-A.
Other names: c.23405C>T, p.Thr7802Ile (NM_001164507.2); c.23510C>T, p.Thr7837Ile (NM_001271208.2); c.18302C>T, p.Thr6101Ile (NM_004543.5); short protein forms T7802I, T6101I, T7837I.
Identifiers: ClinVar variation 1397073 (VCV001397073.5), dbSNP rs780379101, ClinGen allele CA1906364.